The following is an entry in ClinVar:

ClinVar aggregate classification (germline): Uncertain significance (1 of 4 stars; one submission).

Conditions:
Amyotrophic lateral sclerosis type 1 (ALS1). Also called: AMYOTROPHIC LATERAL SCLEROSIS 1, FAMILIAL. Identifiers: Orphanet 803, MedGen C1862939, MONDO:0007103, OMIM 105400.
Perry syndrome. Also called: PARKINSONISM WITH ALVEOLAR HYPOVENTILATION AND MENTAL DEPRESSION. Identifiers: Orphanet 178509, MedGen C1868594, MONDO:0008201, OMIM 168605.
Neuronopathy, distal hereditary motor, type 7B. Also called: NEURONOPATHY, DISTAL HEREDITARY MOTOR, AUTOSOMAL DOMINANT 14; NEURONOPATHY, DISTAL HEREDITARY MOTOR, HARDING TYPE VIIB; NEUROPATHY, DISTAL HEREDITARY MOTOR, HARDING TYPE VIIB; NEUROPATHY, DISTAL HEREDITARY MOTOR, WITH VOCAL CORD PARALYSIS, HARDING TYPE VIIB; HMN VIIB; LOWER MOTOR NEURON DISEASE, DYNACTIN TYPE. Identifiers: Orphanet 139589, MedGen C1843315, MONDO:0011879, OMIM 607641.

gnomAD v4.1: 2 of 1,614,138 alleles (0.00012%); highest among the groups gnomAD compares: Non-Finnish European, 0.00017%; no homozygotes.

Submission:

Labcorp Genetics (formerly Invitae), Labcorp
Classification: Uncertain significance for Amyotrophic lateral sclerosis type 1; Neuronopathy, distal hereditary motor, type 7B; Perry syndrome. Last evaluated: 2022-08-22. Review status: criteria provided, single submitter. Criteria: Invitae Variant Classification Sherloc (09022015). Collection method: clinical testing. Allele origin: germline.
Comment: In summary, the available evidence is currently insufficient to determine the role of this variant in disease. Therefore, it has been classified as a Variant of Uncertain Significance. Algorithms developed to predict the effect of missense changes on protein structure and function (SIFT, PolyPhen-2, Align-GVGD) all suggest that this variant is likely to be disruptive. This variant has not been reported in the literature in individuals affected with DCTN1-related conditions. This variant is not present in population databases (gnomAD no frequency). This sequence change replaces alanine, which is neutral and non-polar, with glutamic acid, which is acidic and polar, at codon 494 of the DCTN1 protein (p.Ala494Glu).

NM_004082.5(DCTN1):c.1481C>A (p.Ala494Glu)

Gene: DCTN1 (dynactin subunit 1; minus strand). Cytogenetic location: 2p13.1.
Variant type: single nucleotide variant.
Coding change: c.1481C>A on transcript NM_004082.5 (MANE Select); coding-DNA position 1481, C replaced by A.
Protein change: p.Ala494Glu; replaces alanine 494 with glutamic acid.
Molecular consequence: missense variant. On other transcripts: non-coding transcript variant (1).
Genome position (GRCh38, 1-based): chr2:74,369,403, G>T on the plus strand (C>A on the coding strand, the complement: DCTN1 is on the minus strand). VCF-style: chr2-74369403-G-T. GRCh37 (hg19) VCF-style: chr2-74596530-G-T.
Other names: c.1421C>A, p.Ala474Glu (NM_001135040.3); c.1079C>A, p.Ala360Glu (NM_001135041.3, NM_023019.4); c.1370C>A, p.Ala457Glu (NM_001190836.2); c.1460C>A, p.Ala487Glu (NM_001190837.2); c.1430C>A, p.Ala477Glu (NM_001378991.1); c.1412C>A, p.Ala471Glu (NM_001378992.1); short protein forms A360E, A457E, A471E, A474E, A477E, A487E, A494E.
Identifiers: ClinVar variation 1717792 (VCV001717792.6), dbSNP rs761331951, ClinGen allele CA347358414.